The following is an entry in ClinVar:

ClinVar aggregate classification (germline): Uncertain significance (1 of 4 stars; one submission).

Conditions:
Cardiovascular phenotype. Identifiers: MedGen CN230736.

Submission:

Ambry Genetics
Classification: Uncertain significance for Cardiovascular phenotype. Last evaluated: 2022-10-14. Review status: criteria provided, single submitter. Criteria: Ambry Variant Classification Scheme 2023. Collection method: clinical testing. Allele origin: germline.
Comment: The p.Q151E variant (also known as c.451C>G), located in coding exon 4 of the TBX5 gene, results from a C to G substitution at nucleotide position 451. The glutamine at codon 151 is replaced by glutamic acid, an amino acid with highly similar properties. This amino acid position is conserved. In addition, this alteration is predicted to be deleterious by in silico analysis. Since supporting evidence is limited at this time, the clinical significance of this alteration remains unclear.

NM_181486.4(TBX5):c.451C>G (p.Gln151Glu)

Gene: TBX5 (T-box transcription factor 5; minus strand). Cytogenetic location: 12q24.21.
Variant type: single nucleotide variant.
Coding change: c.451C>G on transcript NM_181486.4 (MANE Select); coding-DNA position 451, C replaced by G.
Protein change: p.Gln151Glu; replaces glutamine 151 with glutamic acid.
Molecular consequence: missense variant.
Genome position (GRCh38, 1-based): chr12:114,398,632, G>C on the plus strand (C>G on the coding strand, the complement: TBX5 is on the minus strand). VCF-style: chr12-114398632-G-C. GRCh37 (hg19) VCF-style: chr12-114836437-G-C.
Other names: c.451C>G, p.Gln151Glu (NM_000192.3); c.301C>G, p.Gln101Glu (NM_080717.4); short protein forms Q151E, Q101E.
Identifiers: ClinVar variation 1741188 (VCV001741188.2), dbSNP rs2540471483, ClinGen allele CA386862070.